The following is an entry in ClinVar:

NM_001042492.3(NF1):c.4201A>T (p.Ser1401Cys)

Gene: NF1 (neurofibromin 1; plus strand). Cytogenetic location: 17q11.2.
Variant type: single nucleotide variant.
Coding change: c.4201A>T on transcript NM_001042492.3 (MANE Select); coding-DNA position 4201, A replaced by T.
Protein change: p.Ser1401Cys; replaces serine 1401 with cysteine.
Molecular consequence: missense variant.
Genome position (GRCh38, 1-based): chr17:31,258,371, A>T. VCF-style: chr17-31258371-A-T. GRCh37 (hg19) VCF-style: chr17-29585389-A-T.
Other names: c.4138A>T, p.Ser1380Cys (NM_000267.4); short protein forms S1380C, S1401C.
Identifiers: ClinVar variation 404507 (VCV000404507.15), dbSNP rs1060500310, ClinGen allele CA16615204.

ClinVar aggregate classification (germline): Conflicting classifications of pathogenicity. Review status: criteria provided, conflicting classifications (1 of 4 stars). 5 submissions from 5 submitters: Uncertain significance (4); Likely benign (1). Last evaluated 2026-01-18.

Conditions:
Hereditary cancer-predisposing syndrome. Also called: Tumor predisposition; Neoplastic Syndromes, Hereditary; Hereditary Cancer Syndrome; Hereditary neoplastic syndrome. Identifiers: Orphanet 140162, MedGen C0027672, MeSH D009386, MONDO:0015356.
Cardiovascular phenotype. Identifiers: MedGen CN230736.
Neurofibromatosis, type 1 (NF1). Also called: Neurofibromatosis, type I; NEUROFIBROMATOSIS, TYPE I, SOMATIC; Peripheral type neurofibromatosis; VON RECKLINGHAUSEN DISEASE. Identifiers: Orphanet 636, MedGen C0027831, MONDO:0018975, OMIM 162200. Disease mechanism: loss of function.
Café-au-lait macules with pulmonary stenosis (WTSN). Also called: PULMONIC STENOSIS WITH CAFE-AU-LAIT SPOTS. Identifiers: MedGen C0553586, MONDO:0008672, OMIM 193520.
Juvenile myelomonocytic leukemia (JMML). Also called: LEUKEMIA, JUVENILE MYELOMONOCYTIC, SOMATIC. Identifiers: Orphanet 86834, MedGen C0349639, MONDO:0011908, OMIM 607785, HP:0012209.
Neurofibromatosis-Noonan syndrome (NFNS). Also called: NEUROFIBROMATOSIS WITH NOONAN PHENOTYPE. Identifiers: Orphanet 638, MedGen C2931482, MONDO:0011035, OMIM 601321. Disease mechanism: loss of function.
Neurofibromatosis, familial spinal (FSNF). Identifiers: Orphanet 636, MedGen C1834235, MONDO:0008078, OMIM 162210. Disease mechanism: loss of function.

Allele frequency attached by ClinVar (database versions not stated): TOPMed below 0.00001; gnomAD 0.00001.

Submissions (5):

Labcorp Genetics (formerly Invitae), Labcorp
Classification: Likely benign for Neurofibromatosis, type 1. Last evaluated: 2026-01-18. Review status: criteria provided, single submitter. Criteria: Invitae Variant Classification Sherloc (09022015). Collection method: clinical testing. Allele origin: germline.

Ambry Genetics
Classification: Uncertain significance for Cardiovascular phenotype; Hereditary cancer-predisposing syndrome. Last evaluated: 2025-03-06. Review status: criteria provided, single submitter. Criteria: Ambry Variant Classification Scheme 2023. Collection method: clinical testing. Allele origin: germline.
Comment: The p.S1380C variant (also known as c.4138A>T), located in coding exon 31 of the NF1 gene, results from an A to T substitution at nucleotide position 4138. The serine at codon 1380 is replaced by cysteine, an amino acid with dissimilar properties. This amino acid position is highly conserved in available vertebrate species. In addition, this alteration is predicted to be deleterious by in silico analysis. Since supporting evidence is limited at this time, the clinical significance of this alteration remains unclear.

Genome-Nilou Lab
Classification: Uncertain significance for Neurofibromatosis, type 1. Last evaluated: 2022-03-15. Review status: criteria provided, single submitter. Criteria: ACMG Guidelines, 2015. Collection method: clinical testing. Allele origin: germline. Affected: no.

GeneDx
Classification: Uncertain significance. Last evaluated: 2021-02-03. Review status: criteria provided, single submitter. Criteria: GeneDx Variant Classification Process June 2021. Collection method: clinical testing. Allele origin: germline. Affected: yes.
Comment: Not observed in large population cohorts (Lek et al., 2016); In silico analysis supports that this missense variant has a deleterious effect on protein structure/function; Has not been previously published as germline pathogenic or benign to our knowledge; This variant is associated with the following publications: (PMID: 27324988)

Fulgent Genetics
Classification: Uncertain significance for Neurofibromatosis, type 1; Neurofibromatosis, familial spinal; Café-au-lait macules with pulmonary stenosis; Neurofibromatosis-Noonan syndrome; Juvenile myelomonocytic leukemia. Last evaluated: 2018-10-31. Review status: criteria provided, single submitter. Criteria: ACMG Guidelines, 2015. Collection method: clinical testing. Allele origin: unknown.